The following is an entry in ClinVar:

NM_001110556.2(FLNA):c.2588G>A (p.Arg863Gln)

Gene: FLNA (filamin A; minus strand). Cytogenetic location: Xq28.
Variant type: single nucleotide variant.
Coding change: c.2588G>A on transcript NM_001110556.2 (MANE Select); coding-DNA position 2588, G replaced by A.
Protein change: p.Arg863Gln; replaces arginine 863 with glutamine.
Molecular consequence: missense variant.
Genome position (GRCh38, 1-based): chrX:154,362,310, C>T on the plus strand (G>A on the coding strand, the complement: FLNA is on the minus strand). VCF-style: chrX-154362310-C-T. GRCh37 (hg19) VCF-style: chrX-153590678-C-T.
Other names: p.Arg863Gln; c.2588G>A (NM_001456.3); c.2588G>A, p.Arg863Gln (NM_001456.4); short protein forms R863Q.
Identifiers: ClinVar variation 2064061 (VCV002064061.9), dbSNP rs2067718143, ClinGen allele CA415233589.

ClinVar aggregate classification (germline): Uncertain significance. Review status: criteria provided, multiple submitters, no conflicts (2 of 4 stars). 4 submissions from 4 submitters: Uncertain significance (4). Last evaluated 2025-09-26.

Conditions:
Oto-palato-digital syndrome, type II (OPD2). Also called: FACIOPALATOOSSEOUS SYNDROME; OPD II SYNDROME; Otopalatodigital Syndrome, Type II; Otopalatodigital Syndrome Type 2 (FLNA-OPD2). Identifiers: Orphanet 669, Orphanet 90652, MedGen C1844696, MONDO:0010571, OMIM 304120.
Frontometaphyseal dysplasia (FMD1). Identifiers: Orphanet 1826, MedGen C0265293, MONDO:0015942.
Melnick-Needles syndrome (MNS). Also called: MELNICK-NEEDLES OSTEODYSPLASTY; OSTEODYSPLASTY OF MELNICK AND NEEDLES; Melnick-Needles Syndrome (FLNA-MNS). Identifiers: Orphanet 2484, MedGen C0025237, MONDO:0010650, OMIM 309350.
Heterotopia, periventricular, X-linked dominant (PVNH1). Also called: PERIVENTRICULAR NODULAR HETEROTOPIA 1; PERIVENTRICULAR NODULAR HETEROTOPIA 4; HETEROTOPIA, PERIVENTRICULAR, 1; X-linked periventricular heterotopia. Identifiers: Orphanet 2149, Orphanet 82004, MedGen C1848213, MONDO:0010233, OMIM 300049.

Allele frequency attached by ClinVar (database versions not stated): gnomAD 0.00001; gnomAD exomes 0.00001.
gnomAD v4.1: 7 of 1,209,513 alleles (0.00058%); highest among the groups gnomAD compares: African/African-American, 0.0017%; no homozygotes.

Submissions (4):

Labcorp Genetics (formerly Invitae), Labcorp
Classification: Uncertain significance for Oto-palato-digital syndrome, type II; Heterotopia, periventricular, X-linked dominant; Frontometaphyseal dysplasia; Melnick-Needles syndrome. Last evaluated: 2025-09-26. Review status: criteria provided, single submitter. Criteria: Invitae Variant Classification Sherloc (09022015). Collection method: clinical testing. Allele origin: germline.
Comment: This sequence change replaces arginine, which is basic and polar, with glutamine, which is neutral and polar, at codon 863 of the FLNA protein (p.Arg863Gln). This variant is not present in population databases (gnomAD no frequency). This variant has not been reported in the literature in individuals affected with FLNA-related conditions. ClinVar contains an entry for this variant (Variation ID: 2064061). Invitae Evidence Modeling of protein sequence and biophysical properties (such as structural, functional, and spatial information, amino acid conservation, physicochemical variation, residue mobility, and thermodynamic stability) indicates that this missense variant is not expected to disrupt FLNA protein function with a negative predictive value of 95%. In summary, the available evidence is currently insufficient to determine the role of this variant in disease. Therefore, it has been classified as a Variant of Uncertain Significance.

GeneDx
Classification: Uncertain significance. Last evaluated: 2025-07-17. Review status: criteria provided, single submitter. Criteria: GeneDx Variant Classification Process June 2021. Collection method: clinical testing. Allele origin: germline. Affected: yes.
Comment: Not observed at significant frequency in large population cohorts (gnomAD); In silico analysis suggests that this missense variant does not alter protein structure/function; Has not been previously published as pathogenic or benign to our knowledge

Mayo Clinic Laboratories, Mayo Clinic
Classification: Uncertain significance. Last evaluated: 2022-11-08. Review status: criteria provided, single submitter. Criteria: ACMG Guidelines, 2015. Collection method: clinical testing. Allele origin: germline. Observed: 1 variant allele.
Comment: BP4, PP2, PM2_supporting

Revvity Omics, Revvity
Classification: Uncertain significance. Last evaluated: 2021-11-22. Review status: criteria provided, single submitter. Criteria: ACMG Guidelines, 2015. Collection method: clinical testing. Allele origin: germline.